The following is an entry in ClinVar:

NM_004357.5(CD151):c.215T>C (p.Met72Thr)

Gene: CD151 (CD151 molecule (Raph blood group); plus strand). Cytogenetic location: 11p15.5.
Variant type: single nucleotide variant.
Coding change: c.215T>C on transcript NM_004357.5 (MANE Select); coding-DNA position 215, T replaced by C.
Protein change: p.Met72Thr; replaces methionine 72 with threonine.
Molecular consequence: missense variant.
Genome position (GRCh38, 1-based): chr11:836,381, T>C. VCF-style: chr11-836381-T-C. GRCh37 (hg19) VCF-style: chr11-836381-T-C.
Other names: c.215T>C, p.Met72Thr (NM_139030.4, NM_001039490.2, NM_139029.2); short protein forms M72T.
Identifiers: ClinVar variation 2817701 (VCV002817701.3), dbSNP rs1202208554, ClinGen allele CA378993969.

ClinVar aggregate classification (germline): Uncertain significance (1 of 4 stars; one submission).

Allele frequency attached by ClinVar (database versions not stated): gnomAD exomes below 0.00001; TOPMed below 0.00001.
gnomAD v4.1: 3 of 1,612,492 alleles (0.00019%); highest among the groups gnomAD compares: Non-Finnish European, 0.00017%; no homozygotes.

Submission:

Labcorp Genetics (formerly Invitae), Labcorp
Classification: Uncertain significance. Last evaluated: 2023-09-11. Review status: criteria provided, single submitter. Criteria: Invitae Variant Classification Sherloc (09022015). Collection method: clinical testing. Allele origin: germline.
Comment: In summary, the available evidence is currently insufficient to determine the role of this variant in disease. Therefore, it has been classified as a Variant of Uncertain Significance. An algorithm developed to predict the effect of missense changes on protein structure and function (PolyPhen-2) suggests that this variant is likely to be tolerated. This variant has not been reported in the literature in individuals affected with CD151-related conditions. This variant is not present in population databases (gnomAD no frequency). This sequence change replaces methionine, which is neutral and non-polar, with threonine, which is neutral and polar, at codon 72 of the CD151 protein (p.Met72Thr).